The following is an entry in ClinVar:

NM_001042432.2(CLN3):c.565G>T (p.Gly189Trp)

Gene: CLN3 (CLN3 lysosomal/endosomal transmembrane protein, battenin; minus strand). Cytogenetic location: 16p12.1.
Variant type: single nucleotide variant.
Coding change: c.565G>T on transcript NM_001042432.2 (MANE Select); coding-DNA position 565, G replaced by T.
Protein change: p.Gly189Trp; replaces glycine 189 with tryptophan.
Molecular consequence: missense variant.
Genome position (GRCh38, 1-based): chr16:28,486,459, C>A on the plus strand (G>T on the coding strand, the complement: CLN3 is on the minus strand). VCF-style: chr16-28486459-C-A. GRCh37 (hg19) VCF-style: chr16-28497780-C-A.
Other names: c.565G>T, p.Gly189Trp (NM_000086.2); c.493G>T, p.Gly165Trp (NM_001286104.2); c.265G>T, p.Gly89Trp (NM_001286105.2); c.331G>T, p.Gly111Trp (NM_001286109.2); c.403G>T, p.Gly135Trp (NM_001286110.2); short protein forms G135W, G165W, G189W, G89W, G111W.
Identifiers: ClinVar variation 886715 (VCV000886715.8), dbSNP rs386833731, ClinGen allele CA395345435.

ClinVar aggregate classification (germline): Conflicting classifications of pathogenicity. Review status: criteria provided, conflicting classifications (1 of 4 stars). 4 submissions from 4 submitters: Pathogenic (1); Uncertain significance (3). Last evaluated 2024-09-28.

Conditions:
Neuronal ceroid lipofuscinosis. Also called: Neuronal Ceroid Lipofuscinoses. Identifiers: Orphanet 216, Orphanet 79263, MedGen C0027877, MONDO:0016295. Disease mechanism: loss of function.
Neuronal ceroid lipofuscinosis 3 (CLN3). Identifiers: Orphanet 228346, MedGen C0751383, MONDO:0008767, OMIM 204200.

gnomAD v4.1: 2 of 1,613,346 alleles (0.00012%); highest among the groups gnomAD compares: Non-Finnish European, 0.00017%; no homozygotes.

Submissions (4):

Labcorp Genetics (formerly Invitae), Labcorp
Classification: Uncertain significance for Neuronal ceroid lipofuscinosis. Last evaluated: 2024-09-28. Review status: criteria provided, single submitter. Criteria: Invitae Variant Classification Sherloc (09022015). Collection method: clinical testing. Allele origin: germline.
Comment: This sequence change replaces glycine, which is neutral and non-polar, with tryptophan, which is neutral and slightly polar, at codon 189 of the CLN3 protein (p.Gly189Trp). This variant is not present in population databases (gnomAD no frequency). This variant has not been reported in the literature in individuals affected with CLN3-related conditions. ClinVar contains an entry for this variant (Variation ID: 886715). An algorithm developed to predict the effect of missense changes on protein structure and function (PolyPhen-2) suggests that this variant is likely to be disruptive. This variant disrupts the p.Gly189 amino acid residue in CLN3. Other variant(s) that disrupt this residue have been determined to be pathogenic (PMID: 21990111, 24154662; internal data). This suggests that this residue is clinically significant, and that variants that disrupt this residue are likely to be disease-causing. In summary, the available evidence is currently insufficient to determine the role of this variant in disease. Therefore, it has been classified as a Variant of Uncertain Significance.

Human Genome Lab, NIMHANS, National Institute of Mental Health and Neuro Sciences
Classification: Pathogenic for Neuronal ceroid lipofuscinosis 3. Last evaluated: 2023-10-17. Review status: criteria provided, single submitter. Criteria: ACMG Guidelines, 2015. Collection method: clinical testing. Allele origin: germline. Inheritance: Autosomal recessive inheritance. Affected: yes. Observed: 1 compound heterozygote.
Comment: The missense variant NM_001042432.2:c.565G>T causes a change at the same amino acid residue as a previously established pathogenic variant. The NP_001035897.1:p.Gly189Trp variant is previously reported to ClinVar (Accession:VCV000886715.5 ) as a variant of uncertain significance. The NP_001035897.1:p.Gly189Trp variant is novel (not in any individuals) in 1000 Genomes as well as in our inhouse database. Although the variant is present at 0.0000% in gnomAD, it has the flag "RF" and may not represent the true population frequency. There is a large physicochemical difference between glycine and tryptophan, which is likely to impact secondary protein structure as these residues differ in polarity, charge, size and/or other properties. 2 variants within 6 amino acid positions of the variant p.Gly189Trp have been shown to be pathogenic, while none have been shown to be benign. The p.Gly189Trp missense variant is predicted to be damaging by both SIFT and PolyPhen2. The glycine residue at codon 189 of CLN3 is conserved in all mammalian species. The nucleotide c.565 in CLN3 is predicted conserved by GERP++ and PhyloP across 100 vertebrates. In addition, the proband's phenotype matches to that of the disorder caused by pathogenic variants in CLN3. For these reasons, this variant has been classified as Pathogenic.

3billion
Classification: Uncertain significance for Neuronal ceroid lipofuscinosis 3. Last evaluated: 2022-05-22. Review status: criteria provided, single submitter. Criteria: ACMG Guidelines, 2015. Collection method: clinical testing. Allele origin: germline. Affected: yes. Observed: 1 homozygote.
Comment: The variant is not observed in the gnomAD v2.1.1 dataset. Protein truncation variants are a common disease-causing mechanism. In silico tool predictions suggest damaging effect of the variant on gene or gene product (REVEL: 0.97; 3Cnet: 0.81). A different missense change at the same codon (p.Gly189Arg) has been reported to be associated with CLN3 related disorder (ClinVar ID: VCV000056282 / PMID: 21990111). However the evidence of pathogenicity is insufficient at this time. Therefore, this variant is classified as uncertain significanceaccording to the recommendation of ACMG/AMP guideline.

Illumina Laboratory Services, Illumina
Classification: Uncertain significance for Neuronal ceroid lipofuscinosis 3. Last evaluated: 2017-04-27. Review status: criteria provided, single submitter. Criteria: ICSL Variant Classification Criteria 13 December 2019. Collection method: clinical testing. Allele origin: germline.

Literature cited by the submitters: PubMed 21990111 (cited by Labcorp Genetics (formerly Invitae), Labcorp and 3billion); PubMed 24154662 (cited by Labcorp Genetics (formerly Invitae), Labcorp).